The following is an entry in ClinVar:

NM_153460.4(IL17RC):c.762+5G>A

Gene: IL17RC (interleukin 17 receptor C; plus strand). Cytogenetic location: 3p25.3.
Variant type: single nucleotide variant.
Coding change: c.762+5G>A on transcript NM_153460.4 (MANE Select); 5 bases into the intron after coding-DNA position 762, G replaced by A.
Molecular consequence: intron variant. On other transcripts: non-coding transcript variant (1).
Genome position (GRCh38, 1-based): chr3:9,924,025, G>A. VCF-style: chr3-9924025-G-A. GRCh37 (hg19) VCF-style: chr3-9965709-G-A.
Other names: c.975+5G>A (NM_153461.4); c.762+5G>A (NM_001203263.2, NM_001203264.2); c.723+44G>A (NM_001367278.1); c.717+5G>A (NM_032732.6, NM_001367280.1, NM_001203265.2); c.642+5G>A (NM_001367279.1).
Identifiers: ClinVar variation 1995677 (VCV001995677.4), dbSNP rs1390478422, ClinGen allele CA540889798.
Genomic context (GRCh38, chr3:9,924,025, plus strand): 5'-CCCTGTACTGGAATCAGGTCCAGGGCCCCCCAAAACCCCGGTGGCACAAAAACCTGGTGA[G>A]GCCTCCCCCTTCCCAAGTCCATTCCCACTGTAGGCCGATGCCTGTGCAAAGGACGCAGTG-3'

ClinVar aggregate classification (germline): Uncertain significance (1 of 4 stars; one submission).

Conditions:
Candidiasis, familial, 9 (CANDF9). Identifiers: Orphanet 1334, MedGen C4225324, MONDO:0014642, OMIM 616445.

Allele frequency attached by ClinVar (database versions not stated): gnomAD exomes below 0.00001.
gnomAD v4.1: 1 of 1,613,416 alleles (0.000062%); highest among the groups gnomAD compares: Admixed American, 0.0017%; no homozygotes.

Submission:

Labcorp Genetics (formerly Invitae), Labcorp
Classification: Uncertain significance for Candidiasis, familial, 9. Last evaluated: 2023-10-03. Review status: criteria provided, single submitter. Criteria: Invitae Variant Classification Sherloc (09022015). Collection method: clinical testing. Allele origin: germline.
Comment: This sequence change falls in intron 8 of the IL17RC gene. It does not directly change the encoded amino acid sequence of the IL17RC protein. It affects a nucleotide within the consensus splice site. This variant is present in population databases (no rsID available, gnomAD 0.003%). This variant has not been reported in the literature in individuals affected with IL17RC-related conditions. ClinVar contains an entry for this variant (Variation ID: 1995677). Variants that disrupt the consensus splice site are a relatively common cause of aberrant splicing (PMID: 17576681, 9536098). Algorithms developed to predict the effect of sequence changes on RNA splicing suggest that this variant may disrupt the consensus splice site. In summary, the available evidence is currently insufficient to determine the role of this variant in disease. Therefore, it has been classified as a Variant of Uncertain Significance.

Literature cited by the submitters: PubMed 17576681; PubMed 9536098.